The following is an entry in ClinVar:

ClinVar aggregate classification (germline): Uncertain significance (1 of 4 stars; one submission).

Submission:

Labcorp Genetics (formerly Invitae), Labcorp
Classification: Uncertain significance. Last evaluated: 2024-12-20. Review status: criteria provided, single submitter. Criteria: Invitae Variant Classification Sherloc (09022015). Collection method: clinical testing. Allele origin: germline.
Comment: This sequence change replaces arginine, which is basic and polar, with proline, which is neutral and non-polar, at codon 78 of the SORL1 protein (p.Arg78Pro). This variant is not present in population databases (gnomAD no frequency). This variant has not been reported in the literature in individuals affected with SORL1-related conditions. An algorithm developed to predict the effect of missense changes on protein structure and function (PolyPhen-2) suggests that this variant is likely to be tolerated. In summary, the available evidence is currently insufficient to determine the role of this variant in disease. Therefore, it has been classified as a Variant of Uncertain Significance.

NM_003105.6(SORL1):c.233G>C (p.Arg78Pro)

Genes: SORL1 (sortilin related receptor 1; plus strand), SORL1-AS1 (SORL1 antisense RNA 1; minus strand). Cytogenetic location: 11q24.1.
Variant type: single nucleotide variant.
Coding change: c.233G>C on transcript NM_003105.6 (MANE Select); coding-DNA position 233, G replaced by C.
Protein change: p.Arg78Pro; replaces arginine 78 with proline.
Molecular consequence: missense variant.
Genome position (GRCh38, 1-based): chr11:121,452,564, G>C. VCF-style: chr11-121452564-G-C. GRCh37 (hg19) VCF-style: chr11-121323273-G-C.
Other names: short protein forms R78P.
Identifiers: ClinVar variation 3671576 (VCV003671576.2).